The following is an entry in ClinVar:

ClinVar aggregate classification (germline): Likely benign. Review status: criteria provided, multiple submitters, no conflicts (2 of 4 stars). 2 submissions from 2 submitters: Likely benign (2). Last evaluated 2020-11-10.

Conditions:
Familial sleep-related hypermotor epilepsy. Also called: Autosomal Dominant Sleep-Related Hypermotor (Hyperkinetic) Epilepsy. Identifiers: Orphanet 98784, MedGen C3696898, MONDO:0000030.

Allele frequency attached by ClinVar (database versions not stated): gnomAD exomes below 0.00001.

Submissions (2):

Labcorp Genetics (formerly Invitae), Labcorp
Classification: Likely benign. Last evaluated: 2020-11-10. Review status: criteria provided, single submitter. Criteria: Invitae Variant Classification Sherloc (09022015). Collection method: clinical testing. Allele origin: germline.

GeneDx
Classification: Likely benign. Last evaluated: 2015-11-18. Review status: criteria provided, single submitter. Criteria: GeneDx Variant Classification (06012015). Collection method: clinical testing. Allele origin: germline. Affected: yes.
Comment: This variant is considered likely benign or benign based on one or more of the following criteria: it is a conservative change, it occurs at a poorly conserved position in the protein, it is predicted to be benign by multiple in silico algorithms, and/or has population frequency not consistent with disease.

NM_000744.7(CHRNA4):c.618T>C (p.Ser206=)

Gene: CHRNA4 (cholinergic receptor nicotinic alpha 4 subunit; minus strand). Cytogenetic location: 20q13.33.
Variant type: single nucleotide variant.
Coding change: c.618T>C on transcript NM_000744.7 (MANE Select); coding-DNA position 618, T replaced by C.
Protein change: p.Ser206=; no amino-acid change (serine 206 retained).
Molecular consequence: synonymous variant. On other transcripts: non-coding transcript variant (1).
Genome position (GRCh38, 1-based): chr20:63,350,793, A>G on the plus strand (T>C on the coding strand, the complement: CHRNA4 is on the minus strand). VCF-style: chr20-63350793-A-G. GRCh37 (hg19) VCF-style: chr20-61982145-A-G.
Other names: c.90T>C, p.Ser30= (NM_001256573.2).
Identifiers: ClinVar variation 381736 (VCV000381736.8), dbSNP rs1057521157, ClinGen allele CA16608492.
Genomic context (GRCh38, chr20:63,350,793, plus strand): 5'-ACAGCACTCGTACTTCCTGGTGTTGTAGGTGCCCACGGCATCCACGATGACCCACTCGCC[A>G]CTCTCCCAGAAGTCCAGCTGGTCCACGCGGCTGTGCATGTTCACCAGGTCGATCTTGGCC-3'
Protein context (NP_000735.1, residues 196-216): SRVDQLDFWE[Ser206=]GEWVIVDAVG